The following is an entry in ClinVar:

NM_004364.5(CEBPA):c.555G>A (p.Pro185=)

Gene: CEBPA (CCAAT enhancer binding protein alpha; minus strand). Cytogenetic location: 19q13.11.
Variant type: single nucleotide variant.
Coding change: c.555G>A on transcript NM_004364.5 (MANE Select); coding-DNA position 555, G replaced by A.
Protein change: p.Pro185=; no amino-acid change (proline 185 retained).
Molecular consequence: synonymous variant.
Genome position (GRCh38, 1-based): chr19:33,301,860, C>T on the plus strand (G>A on the coding strand, the complement: CEBPA is on the minus strand). VCF-style: chr19-33301860-C-T. GRCh37 (hg19) VCF-style: chr19-33792766-C-T.
Other names: c.198G>A, p.Pro66= (NM_001285829.2); c.660G>A, p.Pro220= (NM_001287424.2); c.513G>A, p.Pro171= (NM_001287435.2); c.555G>A (NM_004364.4).
Identifiers: ClinVar variation 1077876 (VCV001077876.10), dbSNP rs754400471, ClinGen allele CA9363710.

ClinVar aggregate classification (germline): Likely benign. Review status: criteria provided, multiple submitters, no conflicts (2 of 4 stars). 2 submissions from 2 submitters: Likely benign (2). Last evaluated 2025-09-22.

Conditions:
Acute myeloid leukemia (AML). Also called: Leukemia, acute myeloid, somatic; Leukemia, acute myelogenous, somatic; Acute myeloid leukemia, adult; AML adult; Acute non-lymphocytic leukemia; Acute granulocytic leukemia. Identifiers: Orphanet 519, MedGen C0023467, MeSH D015470, MONDO:0018874, OMIM 601626, HP:0004808. Disease mechanism: Constitutively activated FLT3.
CEBPA-related disorder. Also called: CEBPA-related condition.

Allele frequency attached by ClinVar (database versions not stated): gnomAD 0.00001 and 0.00011; TOPMed 0.00001; gnomAD exomes 0.00014 and 0.00061; 1000 Genomes Project 30x 0.00078; ExAC 0.00270.
gnomAD v4.1: 174 of 1,264,944 alleles (0.014%); highest among the groups gnomAD compares: South Asian, 0.31%; 6 homozygotes.

Submissions (2):

Labcorp Genetics (formerly Invitae), Labcorp
Classification: Likely benign for Acute myeloid leukemia. Last evaluated: 2025-09-22. Review status: criteria provided, single submitter. Criteria: Invitae Variant Classification Sherloc (09022015). Collection method: clinical testing. Allele origin: germline.

PreventionGenetics, part of Exact Sciences
Classification: Likely benign for CEBPA-related condition. Last evaluated: 2024-10-28. Review status: criteria provided, single submitter. Criteria: ACMG Guidelines, 2015. Collection method: clinical testing. Allele origin: germline.
Comment: This variant is classified as likely benign based on ACMG/AMP sequence variant interpretation guidelines (Richards et al. 2015 PMID: 25741868, with internal and published modifications).